The following is an entry in ClinVar:

GRCh38/hg38 16p13.3(chr16:5967775-6629301)x3

Genes: RBFOX1 (RNA binding fox-1 homolog 1; plus strand), LOC107522031 (meiotic recombination hotspot CG; plus strand), LOC126862274 (P300/CBP strongly-dependent group 1 enhancer GRCh37_chr16:6052649-6053848; plus strand), LOC126862275 (BRD4-independent group 4 enhancer GRCh37_chr16:6072816-6074015; plus strand). Cytogenetic location: 16p13.3.
Variant type: copy number gain.
Change: copy number 3 (three copies instead of two) of chr16:5,967,775-6,629,301 (661.5 kb, GRCh38 coordinates, 1-based), cytogenetic band 16p13.3.
Identifiers: ClinVar variation 57214 (VCV000057214.1).

ClinVar aggregate classification (germline): Uncertain significance (1 of 4 stars; one submission).

Submission:

ISCA site 4
Classification: Uncertain significance. Last evaluated: 2011-08-12. Review status: criteria provided, single submitter. Criteria: Kaminsky et al. (Genet Med. 2011). Collection method: clinical testing. Allele origin: unknown. Affected: yes. Observed: 1 variant allele.
Comment: Copy number variation identified through the course of routine clinical cytogenomic testing in postnatal populations. Clinical assertions have been curated as described in Kaminsky et al. 2011.